The following is an entry in ClinVar:

ClinVar aggregate classification (germline): Likely benign (0 of 4 stars; one submission).

Conditions:
PLXNA4-related disorder. Also called: PLXNA4-related condition.

gnomAD v4.1: 4 of 1,603,042 alleles (0.00025%); highest among the groups gnomAD compares: African/African-American, 0.0053%; no homozygotes.

Submission:

PreventionGenetics, part of Exact Sciences
Classification: Likely benign for PLXNA4-related condition. Last evaluated: 2021-07-12. Review status: no assertion criteria provided. Collection method: clinical testing. Allele origin: germline.
Comment: This variant is classified as likely benign based on ACMG/AMP sequence variant interpretation guidelines (Richards et al. 2015 PMID: 25741868, with internal and published modifications).

NM_020911.2(PLXNA4):c.3738C>A (p.Gly1246=)

Gene: PLXNA4 (plexin A4; minus strand). Cytogenetic location: 7q32.3.
Variant type: single nucleotide variant.
Coding change: c.3738C>A on transcript NM_020911.2 (MANE Select); coding-DNA position 3738, C replaced by A.
Protein change: p.Gly1246=; no amino-acid change (glycine 1246 retained).
Molecular consequence: synonymous variant.
Genome position (GRCh38, 1-based): chr7:132,179,823, G>T on the plus strand (C>A on the coding strand, the complement: PLXNA4 is on the minus strand). VCF-style: chr7-132179823-G-T. GRCh37 (hg19) VCF-style: chr7-131864582-G-T.
Other names: c.3738C>A, p.Gly1246= (NM_001393897.1).
Identifiers: ClinVar variation 3357169 (VCV003357169.1).
Genomic context (GRCh38, chr7:132,179,823, plus strand): 5'-TTCGCGGGACTTGCGTTTATAGGCAATGAGCACGGCCACGATGAAAATGATGAGGAGGCC[G>T]CCAGCCACTGCGATGCTGACGATGGCGGGCAGGCTGAGCGGGCTGTCCGGGGCAATGTAC-3'
Protein context (NP_065962.1, residues 1236-1256): LPAIVSIAVA[Gly1246=]GLLIIFIVAV